The following is an entry in ClinVar:

ClinVar aggregate classification (germline): Uncertain significance. Review status: criteria provided, multiple submitters, no conflicts (2 of 4 stars). 3 submissions from 3 submitters: Uncertain significance (3). Last evaluated 2025-07-21.

Conditions:
Facioscapulohumeral muscular dystrophy 2 (FSHD2). Also called: FACIOSCAPULOHUMERAL MUSCULAR DYSTROPHY 2, DIGENIC; FSHD2, DIGENIC; MUSCULAR DYSTROPHY, FACIOSCAPULOHUMERAL, TYPE 1B. Identifiers: Orphanet 269, MedGen C1834671, MONDO:0008031, OMIM 158901.

Allele frequency attached by ClinVar (database versions not stated): ExAC 0.00005; gnomAD exomes 0.00005; gnomAD 0.00007 and 0.00008; TOPMed 0.00007; ESP Exome Variant Server 0.00017.
gnomAD v4.1: 158 of 1,572,212 alleles (0.01%); highest among the groups gnomAD compares: Non-Finnish European, 0.013%; no homozygotes.

Submissions (3):

Labcorp Genetics (formerly Invitae), Labcorp
Classification: Uncertain significance for Facioscapulohumeral muscular dystrophy 2. Last evaluated: 2025-07-21. Review status: criteria provided, single submitter. Criteria: Invitae Variant Classification Sherloc (09022015). Collection method: clinical testing. Allele origin: germline.
Comment: This sequence change replaces serine, which is neutral and polar, with tyrosine, which is neutral and polar, at codon 871 of the SMCHD1 protein (p.Ser871Tyr). This variant is present in population databases (rs372975122, gnomAD 0.01%). This variant has not been reported in the literature in individuals affected with SMCHD1-related conditions. ClinVar contains an entry for this variant (Variation ID: 287185). Invitae Evidence Modeling of protein sequence and biophysical properties (such as structural, functional, and spatial information, amino acid conservation, physicochemical variation, residue mobility, and thermodynamic stability) indicates that this missense variant is not expected to disrupt SMCHD1 protein function with a negative predictive value of 80%. In summary, the available evidence is currently insufficient to determine the role of this variant in disease. Therefore, it has been classified as a Variant of Uncertain Significance.

Revvity Omics, Revvity
Classification: Uncertain significance. Last evaluated: 2019-07-12. Review status: criteria provided, single submitter. Criteria: ACMG Guidelines, 2015. Collection method: clinical testing. Allele origin: germline.

Eurofins Ntd Llc (ga)
Classification: Uncertain significance. Last evaluated: 2018-07-19. Review status: criteria provided, single submitter. Criteria: EGL ClinVar v180209 classification definitions. Collection method: clinical testing. Allele origin: germline. Observed: 2 variant alleles, 2 heterozygotes.

NM_015295.3(SMCHD1):c.2612C>A (p.Ser871Tyr)

Gene: SMCHD1 (structural maintenance of chromosomes flexible hinge domain containing 1; plus strand). Cytogenetic location: 18p11.32.
Variant type: single nucleotide variant.
Coding change: c.2612C>A on transcript NM_015295.3 (MANE Select); coding-DNA position 2612, C replaced by A.
Protein change: p.Ser871Tyr; replaces serine 871 with tyrosine.
Molecular consequence: missense variant.
Genome position (GRCh38, 1-based): chr18:2,724,907, C>A. VCF-style: chr18-2724907-C-A. GRCh37 (hg19) VCF-style: chr18-2724905-C-A.
Other names: short protein forms S871Y.
Identifiers: ClinVar variation 287185 (VCV000287185.18), dbSNP rs372975122, ClinGen allele CA8871025.
Genomic context (GRCh38, chr18:2,724,907, plus strand): 5'-AGCTTACTTGTAGGCAATTGAGGGGAGTTAAAAAATAATTTTTTTTCCCCAGTGGTTTAT[C>A]TTTACATTATGAAGAAATAACCAAAGGACCAAATTGTGTAATTCGAGGTGTTACAGCCAA-3'
Protein context (NP_056110.2, residues 861-881): IQPVLEASGL[Ser871Tyr]LHYEEITKGP